The following is an entry in ClinVar:

NM_000038.6(APC):c.5895_5896del (p.His1965fs)

Gene: APC (APC regulator of Wnt signaling pathway; plus strand). Cytogenetic location: 5q22.2.
Variant type: Deletion.
Coding change: c.5895_5896del on transcript NM_000038.6 (MANE Select); coding-DNA positions 5895 to 5896, 2 bases deleted (TA; older notation c.5895_5896delTA).
Protein change: p.His1965fs; shifts the reading frame from histidine 1965.
Molecular consequence: frameshift variant.
Genome position (GRCh38, 1-based): chr5:112,841,489-112,841,490, TA deleted; deleting any 2 consecutive bases within chr5:112,841,488-112,841,490 gives the same sequence; the c. name uses the placement nearest the transcript's 3' end. VCF-style (leftmost placement, unchanged base first): chr5-112841487-CAT-C. GRCh37 (hg19) VCF-style: chr5-112177184-CAT-C.
Other names: c.5895_5896del, p.His1965fs (NM_001127510.3, NM_001354895.2); c.5841_5842del, p.His1947fs (NM_001127511.3); c.5949_5950del, p.His1983fs (NM_001354896.2); c.5925_5926del, p.His1975fs (NM_001354897.2); c.5820_5821del, p.His1940fs (NM_001354898.2); c.5811_5812del, p.His1937fs (NM_001354899.2); c.5772_5773del, p.His1924fs (NM_001354900.2); c.5718_5719del, p.His1906fs (NM_001354901.2); and 16 more; short protein forms H1864fs, H1874fs, H1940fs, H1947fs, H1839fs, H1924fs, H1975fs, H1965fs.
Identifiers: ClinVar variation 2033784 (VCV002033784.4), dbSNP rs2533675552, ClinGen allele CA2580072776.
Genomic context (GRCh38, chr5:112,841,487, plus strand): 5'-GCAGCAACTGATGAAAAGTTACAGAATTTTGCTATTGAAAATACTCCGGTTTGCTTTTCT[CAT>C]AATTCCTCTCTGAGTTCTCTCAGTGACATTGACCAAGAAAACAACAATAAAGAAAATGAA-3'

ClinVar aggregate classification (germline): Pathogenic (1 of 4 stars; one submission).

Conditions:
Familial adenomatous polyposis 1 (FAP1). Also called: POLYPOSIS, ADENOMATOUS INTESTINAL; FAMILIAL ADENOMATOUS POLYPOSIS 1, ATTENUATED. Identifiers: MedGen C2713442, MONDO:0021056, OMIM 175100. Disease mechanism: loss of function.

Submission:

Labcorp Genetics (formerly Invitae), Labcorp
Classification: Pathogenic for Familial adenomatous polyposis 1. Last evaluated: 2022-10-02. Review status: criteria provided, single submitter. Criteria: Invitae Variant Classification Sherloc (09022015). Collection method: clinical testing. Allele origin: germline.
Comment: This sequence change creates a premature translational stop signal (p.His1965Glnfs*9) in the APC gene. While this is not anticipated to result in nonsense mediated decay, it is expected to disrupt the last 879 amino acid(s) of the APC protein. This variant is not present in population databases (gnomAD no frequency). This variant has not been reported in the literature in individuals affected with APC-related conditions. A different truncation (p.Tyr2645Lysfs*14) that lies downstream of this variant has been determined to be pathogenic (PMID: 9824584, 1316610, 27081525, 8381579, 22135120, Invitae). This suggests that deletion of this region of the APC protein is causative of disease. For these reasons, this variant has been classified as Pathogenic. This variant is expected to disrupt the EB1 and HDLG binding sites, which mediate interactions with the cytoskeleton (PMID: 15311282, 17293347). While functional studies have not been performed to directly test the effect on APC protein function, this suggests that disruption of the C-terminal portion of the protein is functionally important.

Literature cited by the submitters: PubMed 9824584; PubMed 1316610; PubMed 27081525; PubMed 8381579; PubMed 22135120; PubMed 15311282; PubMed 17293347.